The following is an entry in ClinVar:

ClinVar aggregate classification (germline): Conflicting classifications of pathogenicity. Review status: criteria provided, conflicting classifications (1 of 4 stars). 7 submissions from 7 submitters: Uncertain significance (5); Likely benign (2). Last evaluated 2026-04-21.

Conditions:
FLNC-related disorder. Also called: FLNC-related disorders; FLNC-related condition.
Cardiomyopathy (CMYO). Also called: Cardiomyopathies. Identifiers: Orphanet 167848, MedGen C0878544, MONDO:0004994, HP:0001638. Inheritance: Various modes of inheritance.
Myofibrillar myopathy 5. Also called: Filaminopathy (type); FILAMINOPATHY, AUTOSOMAL DOMINANT. Identifiers: Orphanet 171445, MedGen C1836050, MONDO:0012289, OMIM 609524.
Hypertrophic cardiomyopathy 26. Also called: Cardiomyopathy, familial hypertrophic, 26. Identifiers: Orphanet 75249, MedGen C4310749, MONDO:0014883, OMIM 617047.
Distal myopathy with posterior leg and anterior hand involvement. Also called: WILLIAMS DISTAL MYOPATHY. Identifiers: Orphanet 63273, MedGen C3279722, MONDO:0013550, OMIM 614065.
Cardiovascular phenotype. Identifiers: MedGen CN230736.

Allele frequency attached by ClinVar (database versions not stated): gnomAD 0.00004 and 0.00005; TOPMed 0.00004; gnomAD exomes 0.00005; ExAC 0.00007; ESP Exome Variant Server 0.00008.
gnomAD v4.1: 40 of 1,612,448 alleles (0.0025%); highest among the groups gnomAD compares: African/African-American, 0.0093%; no homozygotes.

Submissions (7):

Women's Health and Genetics/Laboratory Corporation of America, LabCorp
Classification: Likely benign. Last evaluated: 2026-04-21. Review status: criteria provided, single submitter. Criteria: LabCorp Variant Classification Summary - May 2015. Collection method: clinical testing. Allele origin: germline.
Comment: Variant summary: FLNC c.3209C>T (p.Pro1070Leu) results in a non-conservative amino acid change in the encoded protein sequence. Algorithms developed to predict the effect of missense changes on protein structure and function all suggest that this variant is likely to be disruptive. The variant allele was found at a frequency of 4.8e-05 in 248038 control chromosomes. The observed variant frequency exceeds the estimated maximal expected allele frequency for disease-causing variants in FLNC. To our knowledge, no occurrence of c.3209C>T in individuals affected with FLNC-related conditions and no experimental evidence demonstrating its impact on protein function have been reported. ClinVar contains an entry for this variant (Variation ID: 539366). Based on the evidence outlined above, the variant was classified as likely benign.

Labcorp Genetics (formerly Invitae), Labcorp
Classification: Likely benign for Distal myopathy with posterior leg and anterior hand involvement; Myofibrillar myopathy 5; Hypertrophic cardiomyopathy 26. Last evaluated: 2026-01-21. Review status: criteria provided, single submitter. Criteria: Invitae Variant Classification Sherloc (09022015). Collection method: clinical testing. Allele origin: germline.

GeneDx
Classification: Uncertain significance. Last evaluated: 2025-08-25. Review status: criteria provided, single submitter. Criteria: GeneDx Variant Classification Process June 2021. Collection method: clinical testing. Allele origin: germline. Affected: yes.
Comment: In silico analysis supports that this missense variant has a deleterious effect on protein structure/function; Has not been previously published as pathogenic or benign to our knowledge

Ambry Genetics
Classification: Uncertain significance for Cardiovascular phenotype. Last evaluated: 2023-10-24. Review status: criteria provided, single submitter. Criteria: Ambry Variant Classification Scheme 2023. Collection method: clinical testing. Allele origin: germline.
Comment: The p.P1070L variant (also known as c.3209C>T), located in coding exon 21 of the FLNC gene, results from a C to T substitution at nucleotide position 3209. The proline at codon 1070 is replaced by leucine, an amino acid with similar properties. This amino acid position is highly conserved in available vertebrate species. In addition, this alteration is predicted to be deleterious by in silico analysis. Since supporting evidence is limited at this time, the clinical significance of this alteration remains unclear.

CHEO Genetics Diagnostic Laboratory, Children's Hospital of Eastern Ontario
Classification: Uncertain significance for Cardiomyopathy. Last evaluated: 2023-05-16. Review status: criteria provided, single submitter. Criteria: ACMG Guidelines, 2015. Collection method: clinical testing. Allele origin: germline.

PreventionGenetics, part of Exact Sciences
Classification: Uncertain significance for FLNC-related condition. Last evaluated: 2023-03-28. Review status: criteria provided, single submitter. Criteria: ACMG Guidelines, 2015. Collection method: clinical testing. Allele origin: germline.
Comment: The FLNC c.3209C>T variant is predicted to result in the amino acid substitution p.Pro1070Leu. To our knowledge, this variant has not been reported in the literature. This variant is reported in 0.012% of alleles in individuals of African descent in gnomAD. Although we suspect that this variant may be benign, at this time, the clinical significance of this variant is uncertain due to the absence of conclusive functional and genetic evidence.

Revvity Omics, Revvity
Classification: Uncertain significance. Last evaluated: 2021-10-12. Review status: criteria provided, single submitter. Criteria: ACMG Guidelines, 2015. Collection method: clinical testing. Allele origin: germline.

NM_001458.5(FLNC):c.3209C>T (p.Pro1070Leu)

Gene: FLNC (filamin C; plus strand). Cytogenetic location: 7q32.1.
Variant type: single nucleotide variant.
Coding change: c.3209C>T on transcript NM_001458.5 (MANE Select); coding-DNA position 3209, C replaced by T.
Protein change: p.Pro1070Leu; replaces proline 1070 with leucine.
Molecular consequence: missense variant.
Genome position (GRCh38, 1-based): chr7:128,844,674, C>T. VCF-style: chr7-128844674-C-T. GRCh37 (hg19) VCF-style: chr7-128484728-C-T.
Other names: c.3209C>T, p.Pro1070Leu (NM_001127487.2); short protein forms P1070L.
Identifiers: ClinVar variation 539366 (VCV000539366.21), dbSNP rs370391049, ClinGen allele CA4474996.